The following is an entry in ClinVar:

ClinVar aggregate classification (germline): Likely pathogenic (1 of 4 stars; one submission).

Conditions:
Intellectual developmental disorder, autosomal dominant 52. Also called: Intellectual disability, autosomal dominant 52; Mental retardation, autosomal dominant 52. Identifiers: MedGen C4540478, MONDO:0030918, OMIM 617796.

Submission:

Variantyx, Inc.
Classification: Likely pathogenic for Intellectual developmental disorder, autosomal dominant 52. Last evaluated: 2025-11-13. Review status: criteria provided, single submitter. Criteria: Variantyx Assertion Criteria 2022. Collection method: clinical testing. Allele origin: germline. Inheritance: Autosomal dominant inheritance. Affected: yes.
Comment: This is a frameshift variant in the ASH1L gene (OMIM: 607999). Pathogenic variants in this gene have been associated with autosomal dominant intellectual developmental disorder 52. This variant introduces a premature termination codon in exon 5 out of 28 and is expected to result in loss of function, which is a known disease mechanism for ASH1L in this disorder (PMID: 28191889, 25363760, 28263302) (PVS1). This variant is absent from control populations (PM2) and it has not been reported in individuals with ASH1L-related disorders in the databases available for review. Based on the current evidence, this variant is classified as likely pathogenic for autosomal dominant intellectual developmental disorder 52.

Literature cited by the submitters: PubMed 28191889; PubMed 25363760; PubMed 28263302.

NM_018489.3(ASH1L):c.5129_5151del (p.Gly1710fs)

Gene: ASH1L (ASH1 like histone lysine methyltransferase; minus strand). Cytogenetic location: 1q22.
Variant type: Deletion.
Coding change: c.5129_5151del on transcript NM_018489.3 (MANE Select); coding-DNA positions 5129 to 5151, 23 bases deleted (GGGATGACTCTGTGGATAGTCTG).
Protein change: p.Gly1710fs; shifts the reading frame from glycine 1710.
Molecular consequence: frameshift variant.
Genome position (GRCh38, 1-based): chr1:155,439,004-155,439,026, CAGACTATCCACAGAGTCATCCC deleted on the plus strand (GGGATGACTCTGTGGATAGTCTG on the coding strand, the reverse complement: ASH1L is on the minus strand); deleting any 23 consecutive bases within chr1:155,439,004-155,439,030 gives the same sequence; the c. name uses the placement nearest the transcript's 3' end. VCF-style (leftmost placement, unchanged base first): chr1-155439003-GCAGACTATCCACAGAGTCATCCC-G. GRCh37 (hg19) VCF-style: chr1-155408794-GCAGACTATCCACAGAGTCATCCC-G.
Other names: c.5129_5151del, p.Gly1710fs (NM_001366177.2); short protein forms G1710fs.
Identifiers: ClinVar variation 4813823 (VCV004813823.1).
Genomic context (GRCh38, chr1:155,439,003, plus strand): 5'-TCACAGCATCAATACTTTTCTCCATGGGCTCTTGGTCCTCATTTTGTACCATCCGCTGCA[GCAGACTATCCACAGAGTCATCCC>G]CAGAAGCAACTAATCTTGGACTTCGAGAGGGAACTCCGTTTACTGAAAGAGACAATAAAT-3'